The following is an entry in ClinVar:

NM_031443.4(CCM2):c.362A>G (p.Lys121Arg)

Gene: CCM2 (CCM2 scaffold protein; plus strand). Cytogenetic location: 7p13.
Variant type: single nucleotide variant.
Coding change: c.362A>G on transcript NM_031443.4 (MANE Select); coding-DNA position 362, A replaced by G.
Protein change: p.Lys121Arg; replaces lysine 121 with arginine.
Molecular consequence: missense variant. On other transcripts: non-coding transcript variant (1).
Genome position (GRCh38, 1-based): chr7:45,064,536, A>G. VCF-style: chr7-45064536-A-G. GRCh37 (hg19) VCF-style: chr7-45104135-A-G.
Other names: p.Lys121Arg; c.425A>G, p.Lys142Arg (NM_001029835.2); c.188A>G, p.Lys63Arg (NM_001167934.2, NM_001363459.2); c.362A>G, p.Lys121Arg (NM_001167935.2, NM_001363458.2); short protein forms K142R, K63R, K121R.
Identifiers: ClinVar variation 4541288 (VCV004541288.1).

ClinVar aggregate classification (germline): Uncertain significance (1 of 4 stars; one submission).

Submission:

Mayo Clinic Laboratories, Mayo Clinic
Classification: Uncertain significance. Last evaluated: 2025-02-07. Review status: criteria provided, single submitter. Criteria: ACMG Guidelines, 2015. Collection method: clinical testing. Allele origin: germline. Observed: 1 variant allele.
Comment: BP4, PM2_supporting